The following is an entry in ClinVar:

NM_005982.4(SIX1):c.103T>G (p.Trp35Gly)

Gene: SIX1 (SIX homeobox 1; minus strand). Cytogenetic location: 14q23.1.
Variant type: single nucleotide variant.
Coding change: c.103T>G on transcript NM_005982.4 (MANE Select); coding-DNA position 103, T replaced by G.
Protein change: p.Trp35Gly; replaces tryptophan 35 with glycine.
Molecular consequence: missense variant.
Genome position (GRCh38, 1-based): chr14:60,649,087, A>C on the plus strand (T>G on the coding strand, the complement: SIX1 is on the minus strand). VCF-style: chr14-60649087-A-C. GRCh37 (hg19) VCF-style: chr14-61115805-A-C.
Other names: short protein forms W35G.
Identifiers: ClinVar variation 2582154 (VCV002582154.1), dbSNP rs2502644837, ClinGen allele CA389911041.
Genomic context (GRCh38, chr14:60,649,087, plus strand): 5'-CCGCCTTGGCCTTGAGTACGCTCTCGTTCTTGTGCAGGTGGTCGCAGGCGGGCAGTGACC[A>C]CAGGAACCTGCCCAGGCGCTCCAGGTTTCCGCCTTGCTGCAGAACCTCGCACACGCACGC-3'
Protein context (NP_005973.1, residues 25-45): GNLERLGRFL[Trp35Gly]SLPACDHLHK

ClinVar aggregate classification (germline): Uncertain significance (1 of 4 stars; one submission).

Submission:

GeneDx
Classification: Uncertain significance. Last evaluated: 2023-03-30. Review status: criteria provided, single submitter. Criteria: GeneDx Variant Classification Process June 2021. Collection method: clinical testing. Allele origin: germline. Affected: yes.
Comment: Not observed at significant frequency in large population cohorts (gnomAD); In silico analysis supports that this missense variant has a deleterious effect on protein structure/function; Has not been previously published as pathogenic or benign to our knowledge